The following is an entry in ClinVar:

NM_153252.5(BRWD3):c.4882A>T (p.Thr1628Ser)

Gene: BRWD3 (bromodomain and WD repeat domain containing 3; minus strand). Cytogenetic location: Xq21.1.
Variant type: single nucleotide variant.
Coding change: c.4882A>T on transcript NM_153252.5 (MANE Select); coding-DNA position 4882, A replaced by T.
Protein change: p.Thr1628Ser; replaces threonine 1628 with serine.
Molecular consequence: missense variant.
Genome position (GRCh38, 1-based): chrX:80,677,136, T>A on the plus strand (A>T on the coding strand, the complement: BRWD3 is on the minus strand). VCF-style: chrX-80677136-T-A. GRCh37 (hg19) VCF-style: chrX-79932635-T-A.
Other names: c.4732A>T, p.Thr1578Ser (NM_001441339.1); short protein forms T1578S, T1628S.
Identifiers: ClinVar variation 4695034 (VCV004695034.1).
Genomic context (GRCh38, chrX:80,677,136, plus strand): 5'-TTTGTATGAATTTGCTATAATCATGGTCTCCATCTACGTAATCTTGATCTGTTCTGGAAG[T>A]TGATTCAGAGTCAGAGTCAGAACCACAGGTACTTTCAGAACTTAAACTGGATCCTAACTC-3'
Protein context (NP_694984.5, residues 1618-1638): TCGSDSDSES[Thr1628Ser]SRTDQDYVDG

ClinVar aggregate classification (germline): Uncertain significance (1 of 4 stars; one submission).

gnomAD v4.1: 1 of 1,211,836 alleles (0.000083%); highest among the groups gnomAD compares: African/African-American, 0.0017%; no homozygotes.

Submission:

Labcorp Genetics (formerly Invitae), Labcorp
Classification: Uncertain significance. Last evaluated: 2025-02-07. Review status: criteria provided, single submitter. Criteria: Invitae Variant Classification Sherloc (09022015). Collection method: clinical testing. Allele origin: germline.
Comment: This sequence change replaces threonine, which is neutral and polar, with serine, which is neutral and polar, at codon 1628 of the BRWD3 protein (p.Thr1628Ser). This variant is not present in population databases (gnomAD no frequency). This variant has not been reported in the literature in individuals affected with BRWD3-related conditions. Invitae Evidence Modeling of protein sequence and biophysical properties (such as structural, functional, and spatial information, amino acid conservation, physicochemical variation, residue mobility, and thermodynamic stability) indicates that this missense variant is not expected to disrupt BRWD3 protein function with a negative predictive value of 80%. In summary, the available evidence is currently insufficient to determine the role of this variant in disease. Therefore, it has been classified as a Variant of Uncertain Significance.